The following is an entry in ClinVar:

ClinVar aggregate classification (germline): Likely benign (0 of 4 stars; one submission).

Conditions:
GRHL3-related disorder. Also called: GRHL3-related condition.

Allele frequency attached by ClinVar (database versions not stated): gnomAD 0.00001; TOPMed 0.00001.
gnomAD v4.1: 9 of 1,614,064 alleles (0.00056%); highest among the groups gnomAD compares: East Asian, 0.0022%; no homozygotes.

Submission:

PreventionGenetics, part of Exact Sciences
Classification: Likely benign for GRHL3-related condition. Last evaluated: 2019-07-15. Review status: no assertion criteria provided. Collection method: clinical testing. Allele origin: germline.
Comment: This variant is classified as likely benign based on ACMG/AMP sequence variant interpretation guidelines (Richards et al. 2015 PMID: 25741868, with internal and published modifications).

NM_198173.3(GRHL3):c.1587G>A (p.Ala529=)

Gene: GRHL3 (grainyhead like transcription factor 3; plus strand). Cytogenetic location: 1p36.11.
Variant type: single nucleotide variant.
Coding change: c.1587G>A on transcript NM_198173.3 (MANE Select); coding-DNA position 1587, G replaced by A.
Protein change: p.Ala529=; no amino-acid change (alanine 529 retained).
Molecular consequence: synonymous variant.
Genome position (GRCh38, 1-based): chr1:24,347,511, G>A. VCF-style: chr1-24347511-G-A. GRCh37 (hg19) VCF-style: chr1-24674001-G-A.
Other names: c.1449G>A, p.Ala483= (NM_001195010.2); c.1602G>A, p.Ala534= (NM_021180.4); c.1587G>A, p.Ala529= (NM_198174.3).
Identifiers: ClinVar variation 3049793 (VCV003049793.2), dbSNP rs754817104, ClinGen allele CA690302.